The following is an entry in ClinVar:

ClinVar aggregate classification (germline): Pathogenic/Likely pathogenic. Review status: criteria provided, multiple submitters, no conflicts (2 of 4 stars). 3 submissions from 3 submitters: Pathogenic (1); Likely pathogenic (1). 1 of the submissions does not count toward it. Last evaluated 2023-05-27.

Conditions:
Neuronal ceroid lipofuscinosis 3 (CLN3). Identifiers: Orphanet 228346, MedGen C0751383, MONDO:0008767, OMIM 204200.
Neuronal ceroid lipofuscinosis. Also called: Neuronal Ceroid Lipofuscinoses. Identifiers: Orphanet 216, Orphanet 79263, MedGen C0027877, MONDO:0016295. Disease mechanism: loss of function.

Submissions (3):

Baylor Genetics
Classification: Likely pathogenic for Neuronal ceroid lipofuscinosis 3. Last evaluated: 2023-05-27. Review status: criteria provided, single submitter. Criteria: ACMG Guidelines, 2015. Collection method: clinical testing. Allele origin: unknown.

Labcorp Genetics (formerly Invitae), Labcorp
Classification: Pathogenic for Neuronal ceroid lipofuscinosis. Last evaluated: 2022-02-10. Review status: criteria provided, single submitter. Criteria: Invitae Variant Classification Sherloc (09022015). Collection method: clinical testing. Allele origin: germline.
Comment: ClinVar contains an entry for this variant (Variation ID: 552706). For these reasons, this variant has been classified as Pathogenic. Algorithms developed to predict the effect of sequence changes on RNA splicing suggest that this variant may disrupt the consensus splice site. This variant is also known as c.790+1del. This variant has not been reported in the literature in individuals affected with CLN3-related conditions. This variant is not present in population databases (gnomAD no frequency). This sequence change creates a premature translational stop signal (Splice donor) in the CLN3 gene. It is expected to result in an absent or disrupted protein product. Loss-of-function variants in CLN3 are known to be pathogenic (PMID: 9311735, 28542676).

Counsyl
Classification: Likely pathogenic for Neuronal ceroid lipofuscinosis 3. Last evaluated: 2017-06-30. Review status: no assertion criteria provided. Collection method: clinical testing. Allele origin: unknown. Not counted in ClinVar's aggregate classification.

Literature cited by the submitters: PubMed 9311735 (cited by Labcorp Genetics (formerly Invitae), Labcorp); PubMed 28542676 (cited by Labcorp Genetics (formerly Invitae), Labcorp).

NM_001042432.2(CLN3):c.790+1del

Gene: CLN3 (CLN3 lysosomal/endosomal transmembrane protein, battenin; minus strand). Cytogenetic location: 16p12.1.
Variant type: Deletion.
Coding change: c.790+1del on transcript NM_001042432.2 (MANE Select); the canonical splice donor site of the intron after coding-DNA position 790, one base deleted (G; older notation c.790+1delG).
Molecular consequence: splice donor variant.
Genome position (GRCh38, 1-based): chr16:28,484,005, C deleted on the plus strand (G on the coding strand, the reverse complement: CLN3 is on the minus strand); the first of 2 consecutive C bases (chr16:28,484,005-28,484,006); deleting either gives the same sequence. VCF-style (leftmost placement, unchanged base first): chr16-28484004-AC-A. GRCh37 (hg19) VCF-style: chr16-28495325-AC-A.
Other names: c.556+1del (NM_001286109.2); c.718+1del (NM_001286104.2); c.490+1del (NM_001286105.2); c.628+1del (NM_001286110.2); c.790+1del (NM_000086.2); c.790+1delG (NM_001042432.1).
Identifiers: ClinVar variation 552706 (VCV000552706.10), dbSNP rs1555468374, ClinGen allele CA658824139.